The following is an entry in ClinVar:

ClinVar aggregate classification (germline): Uncertain significance (1 of 4 stars; one submission).

gnomAD v4.1: 1 of 1,613,674 alleles (0.000062%); highest among the groups gnomAD compares: Non-Finnish European, 0.000085%; no homozygotes.

Submission:

GeneDx
Classification: Uncertain significance. Last evaluated: 2022-04-08. Review status: criteria provided, single submitter. Criteria: GeneDx Variant Classification Process June 2021. Collection method: clinical testing. Allele origin: germline. Affected: yes.
Comment: Not observed at significant frequency in large population cohorts (gnomAD); In silico analysis supports that this missense variant does not alter protein structure/function; Has not been previously published as pathogenic or benign to our knowledge

NM_001273.5(CHD4):c.4160C>T (p.Pro1387Leu)

Genes: CHD4 (chromodomain helicase DNA binding protein 4; minus strand), CHD4-AS1 (CHD4 antisense RNA 1; plus strand). Cytogenetic location: 12p13.31.
Variant type: single nucleotide variant.
Coding change: c.4160C>T on transcript NM_001273.5 (MANE Select); coding-DNA position 4160, C replaced by T.
Protein change: p.Pro1387Leu; replaces proline 1387 with leucine.
Molecular consequence: missense variant.
Genome position (GRCh38, 1-based): chr12:6,582,924, G>A on the plus strand (C>T on the coding strand, the complement: CHD4 is on the minus strand). VCF-style: chr12-6582924-G-A. GRCh37 (hg19) VCF-style: chr12-6692090-G-A.
Other names: c.4139C>T, p.Pro1380Leu (NM_001297553.2); c.4121C>T, p.Pro1374Leu (NM_001363606.2); short protein forms P1374L, P1380L, P1387L.
Identifiers: ClinVar variation 1708834 (VCV001708834.2), dbSNP rs2540382736, ClinGen allele CA383575688.
Genomic context (GRCh38, chr12:6,582,924, plus strand): 5'-ACACGGGCCAACAGAGGAGGCAATGGCTTATCTTTATCATTCCGCAGGCCCTTACGACTG[G>A]GCCTACGGGGAGCTGCAAGAAGAAAAAGATGAATGAGTGACACAGGTAGGATATTAAACA-3'
Protein context (NP_001264.2, residues 1377-1397): FDERSEAPRR[Pro1387Leu]SRKGLRNDKD